The following is an entry in ClinVar:

NM_000320.3(QDPR):c.53del (p.Gly18fs)

Genes: QDPR (quinoid dihydropteridine reductase; minus strand), LOC129992304 (ATAC-STARR-seq lymphoblastoid silent region 15310; plus strand). Cytogenetic location: 4p15.32.
Variant type: Deletion.
Coding change: c.53del on transcript NM_000320.3 (MANE Select); coding-DNA position 53, one base deleted (G; older notation c.53delG).
Protein change: p.Gly18fs; shifts the reading frame from glycine 18.
Molecular consequence: frameshift variant. On other transcripts: non-coding transcript variant (1).
Genome position (GRCh38, 1-based): chr4:17,512,002, C deleted on the plus strand (G on the coding strand, the reverse complement: QDPR is on the minus strand); the first of 2 consecutive C bases (chr4:17,512,002-17,512,003); deleting either gives the same sequence. VCF-style (leftmost placement, unchanged base first): chr4-17512001-GC-G. GRCh37 (hg19) VCF-style: chr4-17513624-GC-G.
Other names: c.53del, p.Gly18fs (NM_001306140.2); short protein forms G18fs.
Identifiers: ClinVar variation 1413141 (VCV001413141.6), dbSNP rs2108999089, ClinGen allele CA2573137643.

ClinVar aggregate classification (germline): Pathogenic (1 of 4 stars; one submission).

Conditions:
Dihydropteridine reductase deficiency (HPABH4C). Also called: DHPR DEFICIENCY; BH4-Deficient Hyperphenylalaninemia C; Hyperphenylalaninemia due to dihydropteridine reductase deficiency; Hyperphenylalaninemia, BH-4-deficient, C; Phenylketonuria type 2; HYPERPHENYLALANINEMIA, TETRAHYDROBIOPTERIN-DEFICIENT, DUE TO DHPR DEFICIENCY. Identifiers: Orphanet 226, Orphanet 238583, MedGen C0268465, MONDO:0009862, OMIM 261630.

Submission:

Labcorp Genetics (formerly Invitae), Labcorp
Classification: Pathogenic for Dihydropteridine reductase deficiency. Last evaluated: 2022-08-23. Review status: criteria provided, single submitter. Criteria: Invitae Variant Classification Sherloc (09022015). Collection method: clinical testing. Allele origin: germline.
Comment: This sequence change creates a premature translational stop signal (p.Gly18Alafs*39) in the QDPR gene. It is expected to result in an absent or disrupted protein product. Loss-of-function variants in QDPR are known to be pathogenic (PMID: 7627180, 11153907). This variant is not present in population databases (gnomAD no frequency). This variant has not been reported in the literature in individuals affected with QDPR-related conditions. ClinVar contains an entry for this variant (Variation ID: 1413141). For these reasons, this variant has been classified as Pathogenic.

Literature cited by the submitters: PubMed 7627180; PubMed 11153907.